The following is an entry in ClinVar:

NM_001231.5(CASQ1):c.260T>C (p.Met87Thr)

Gene: CASQ1 (calsequestrin 1; plus strand). Cytogenetic location: 1q23.2.
Variant type: single nucleotide variant.
Coding change: c.260T>C on transcript NM_001231.5 (MANE Select); coding-DNA position 260, T replaced by C.
Protein change: p.Met87Thr; replaces methionine 87 with threonine.
Molecular consequence: missense variant.
Genome position (GRCh38, 1-based): chr1:160,191,011, T>C. VCF-style: chr1-160191011-T-C. GRCh37 (hg19) VCF-style: chr1-160160801-T-C.
Other names: p.Met87Thr; c.260T>C (NM_001231.4); short protein forms M87T.
Identifiers: ClinVar variation 1625631 (VCV001625631.12), dbSNP rs150330307, ClinGen allele CA1196108.
Genomic context (GRCh38, chr1:160,191,011, plus strand): 5'-TGGCACTCCTCTACCATGAACCCCCCGAGGATGACAAGGCCTCACAAAGACAATTTGAGA[T>C]GGAGGAGCTGATCCTGGAGGTGAGTTGGGGGCACTGCAGGCCTGCAGAGCATGTCTAGCC-3'
Protein context (NP_001222.3, residues 77-97): DDKASQRQFE[Met87Thr]EELILELAAQ

ClinVar aggregate classification (germline): Benign. Review status: criteria provided, multiple submitters, no conflicts (2 of 4 stars). 4 submissions from 4 submitters: Benign (3). 1 of the submissions does not count toward it. Last evaluated 2026-02-04.

Conditions:
CASQ1-related disorder. Also called: CASQ1-related condition.

Allele frequency attached by ClinVar (database versions not stated): 1000 Genomes Project 0.01118; gnomAD 0.01940 and 0.01927; gnomAD exomes 0.02792 and 0.02079; ESP Exome Variant Server 0.02107; 1000 Genomes Project 30x 0.00984; TOPMed 0.01814; ExAC 0.02116.
gnomAD v4.1: 43,575 of 1,614,018 alleles (2.7%); highest among the groups gnomAD compares: Non-Finnish European, 3.1%; 686 homozygotes.

Submissions (4):

Labcorp Genetics (formerly Invitae), Labcorp
Classification: Benign. Last evaluated: 2026-02-04. Review status: criteria provided, single submitter. Criteria: Invitae Variant Classification Sherloc (09022015). Collection method: clinical testing. Allele origin: germline.

Mayo Clinic Laboratories, Mayo Clinic
Classification: Benign. Last evaluated: 2022-12-23. Review status: criteria provided, single submitter. Criteria: ACMG Guidelines, 2015. Collection method: clinical testing. Allele origin: germline. Observed: 16 variant alleles.
Comment: BS1, BS2, BP4

Breakthrough Genomics
Classification: Benign. Review status: criteria provided, single submitter. Criteria: ACMG Guidelines, 2015. Collection method: not provided. Allele origin: germline. Inheritance: Autosomal dominant inheritance. Affected: yes.

PreventionGenetics, part of Exact Sciences
Classification: Benign for CASQ1-related condition. Last evaluated: 2019-05-13. Review status: no assertion criteria provided. Collection method: clinical testing. Allele origin: germline. Not counted in ClinVar's aggregate classification.
Comment: This variant is classified as benign based on ACMG/AMP sequence variant interpretation guidelines (Richards et al. 2015 PMID: 25741868, with internal and published modifications).

Literature cited by the submitters: PubMed 23460944 (cited by Mayo Clinic Laboratories, Mayo Clinic); PubMed 26416891 (cited by Mayo Clinic Laboratories, Mayo Clinic); PubMed 28895244 (cited by Mayo Clinic Laboratories, Mayo Clinic); PubMed 33288873 (cited by Mayo Clinic Laboratories, Mayo Clinic).